The following is an entry in ClinVar:

NM_001165963.4(SCN1A):c.459G>A (p.Trp153Ter)

Gene: SCN1A (sodium voltage-gated channel alpha subunit 1; minus strand). Cytogenetic location: 2q24.3.
Variant type: single nucleotide variant.
Coding change: c.459G>A on transcript NM_001165963.4 (MANE Select); coding-DNA position 459, G replaced by A.
Protein change: p.Trp153Ter; replaces tryptophan 153 with a stop codon.
Molecular consequence: nonsense. On other transcripts: 5 prime UTR variant (1), non-coding transcript variant (1).
Genome position (GRCh38, 1-based): chr2:166,056,425, C>T on the plus strand (G>A on the coding strand, the complement: SCN1A is on the minus strand). VCF-style: chr2-166056425-C-T. GRCh37 (hg19) VCF-style: chr2-166912935-C-T.
Other names: c.459G>A, p.Trp153Ter (NM_001165964.3, NM_001202435.3, NM_001353948.2 and 10 more transcripts); c.-1967G>A (NM_001353961.2); short protein forms W153*.
Identifiers: ClinVar variation 952615 (VCV000952615.6), dbSNP rs1553552310, ClinGen allele CA349075878.

ClinVar aggregate classification (germline): Pathogenic (1 of 4 stars; one submission).

Conditions:
Early-infantile DEE. Also called: Early infantile epileptic encephalopathy; Ohtahara syndrome; Early infantile epileptic encephalopathy with suppression bursts. Identifiers: Orphanet 1934, MedGen C0393706, MONDO:0800491.

Submission:

Labcorp Genetics (formerly Invitae), Labcorp
Classification: Pathogenic for Early-infantile DEE. Last evaluated: 2023-07-10. Review status: criteria provided, single submitter. Criteria: Invitae Variant Classification Sherloc (09022015). Collection method: clinical testing. Allele origin: germline.
Comment: This sequence change creates a premature translational stop signal (p.Trp153*) in the SCN1A gene. It is expected to result in an absent or disrupted protein product. Loss-of-function variants in SCN1A are known to be pathogenic (PMID: 17347258, 18930999). This variant is not present in population databases (gnomAD no frequency). This premature translational stop signal has been observed in individual(s) with Dravet Syndrome (PMID: 29141279). ClinVar contains an entry for this variant (Variation ID: 952615). For these reasons, this variant has been classified as Pathogenic.

Literature cited by the submitters: PubMed 17347258; PubMed 18930999; PubMed 29141279.